The following is an entry in ClinVar:

NM_006509.4(RELB):c.1389C>A (p.Asp463Glu)

Gene: RELB (RELB proto-oncogene, NF-kB subunit; plus strand). Cytogenetic location: 19q13.32.
Variant type: single nucleotide variant.
Coding change: c.1389C>A on transcript NM_006509.4 (MANE Select); coding-DNA position 1389, C replaced by A.
Protein change: p.Asp463Glu; replaces aspartic acid 463 with glutamic acid.
Molecular consequence: missense variant.
Genome position (GRCh38, 1-based): chr19:45,037,439, C>A. VCF-style: chr19-45037439-C-A. GRCh37 (hg19) VCF-style: chr19-45540697-C-A.
Other names: c.1380C>A, p.Asp460Glu (NM_001411087.1); short protein forms D460E, D463E.
Identifiers: ClinVar variation 3781014 (VCV003781014.1).

ClinVar aggregate classification (germline): Uncertain significance (1 of 4 stars; one submission).

gnomAD v4.1: 2 of 1,600,814 alleles (0.00012%); highest among the groups gnomAD compares: Non-Finnish European, 0.00017%; no homozygotes.

Submission:

GeneDx
Classification: Uncertain significance. Last evaluated: 2022-04-22. Review status: criteria provided, single submitter. Criteria: GeneDx Variant Classification Process June 2021. Collection method: clinical testing. Allele origin: germline. Affected: yes.
Comment: Has not been previously published as pathogenic or benign to our knowledge; Variants in candidate genes are classified as variants of uncertain significance in accordance with ACMG guidelines (Richards et al., 2015); In silico analysis supports that this missense variant does not alter protein structure/function; Not observed at significant frequency in large population cohorts (gnomAD)